The following is an entry in ClinVar:

NM_033026.6(PCLO):c.4228G>A (p.Ala1410Thr)

Gene: PCLO (piccolo presynaptic cytomatrix protein; minus strand). Cytogenetic location: 7q21.11.
Variant type: single nucleotide variant.
Coding change: c.4228G>A on transcript NM_033026.6 (MANE Select); coding-DNA position 4228, G replaced by A.
Protein change: p.Ala1410Thr; replaces alanine 1410 with threonine.
Molecular consequence: missense variant.
Genome position (GRCh38, 1-based): chr7:82,956,725, C>T on the plus strand (G>A on the coding strand, the complement: PCLO is on the minus strand). VCF-style: chr7-82956725-C-T. GRCh37 (hg19) VCF-style: chr7-82586041-C-T.
Other names: c.4228G>A, p.Ala1410Thr (NM_014510.3); c.4228G>A (NM_033026.5); short protein forms A1410T.
Identifiers: ClinVar variation 1422989 (VCV001422989.6), dbSNP rs200500023, ClinGen allele CA4320868.

ClinVar aggregate classification (germline): Conflicting classifications of pathogenicity. Review status: criteria provided, conflicting classifications (1 of 4 stars). 3 submissions from 3 submitters: Uncertain significance (2); Likely benign (1). Last evaluated 2026-08-27.

Conditions:
Inborn genetic diseases. Identifiers: MedGen C0950123, MeSH D030342.

Allele frequency attached by ClinVar (database versions not stated): ESP Exome Variant Server 0.00068; TOPMed 0.00066; gnomAD exomes 0.00035 and 0.00068; gnomAD 0.00055 and 0.00052; 1000 Genomes Project 30x 0.00016; 1000 Genomes Project 0.00020; ExAC 0.00024.
gnomAD v4.1: 1,097 of 1,613,714 alleles (0.068%); highest among the groups gnomAD compares: Admixed American, 0.085%; 1 homozygote.

Submissions (3):

Ambry Genetics
Classification: Likely benign for Inborn genetic diseases. Last evaluated: 2026-08-27. Review status: criteria provided, single submitter. Criteria: Ambry Variant Classification Scheme 2023. Collection method: clinical testing. Allele origin: germline.

Labcorp Genetics (formerly Invitae), Labcorp
Classification: Uncertain significance. Last evaluated: 2022-09-27. Review status: criteria provided, single submitter. Criteria: Invitae Variant Classification Sherloc (09022015). Collection method: clinical testing. Allele origin: germline.
Comment: This sequence change replaces alanine, which is neutral and non-polar, with threonine, which is neutral and polar, at codon 1410 of the PCLO protein (p.Ala1410Thr). This variant is present in population databases (rs200500023, gnomAD 0.06%). This variant has not been reported in the literature in individuals affected with PCLO-related conditions. ClinVar contains an entry for this variant (Variation ID: 1422989). Algorithms developed to predict the effect of missense changes on protein structure and function are either unavailable or do not agree on the potential impact of this missense change (SIFT: "Deleterious"; PolyPhen-2: "Not Available"; Align-GVGD: "Class C0"). In summary, the available evidence is currently insufficient to determine the role of this variant in disease. Therefore, it has been classified as a Variant of Uncertain Significance.

Breakthrough Genomics
Classification: Uncertain significance. Review status: criteria provided, single submitter. Criteria: ACMG Guidelines, 2015. Collection method: not provided. Allele origin: germline. Inheritance: Autosomal recessive inheritance. Affected: yes.